The following is an entry in ClinVar:

NM_001366385.1(CARD14):c.843+1G>T

Gene: CARD14 (caspase recruitment domain family member 14; plus strand). Cytogenetic location: 17q25.3.
Variant type: single nucleotide variant.
Coding change: c.843+1G>T on transcript NM_001366385.1 (MANE Select); the canonical splice donor site of the intron after coding-DNA position 843, G replaced by T.
Molecular consequence: splice donor variant.
Genome position (GRCh38, 1-based): chr17:80,188,545, G>T. VCF-style: chr17-80188545-G-T. GRCh37 (hg19) VCF-style: chr17-78162344-G-T.
Other names: c.843+1G>T (NM_024110.4, NM_001257970.1); c.132+1G>T (NM_052819.3).
Identifiers: ClinVar variation 579208 (VCV000579208.7), dbSNP rs1567877527, ClinGen allele CA401342183.

ClinVar aggregate classification (germline): Uncertain significance (1 of 4 stars; one submission).

Conditions:
Pityriasis rubra pilaris (PRP). Also called: Pityriasis rubra pilaris--familial type. Identifiers: Orphanet 2897, MedGen C0032027, MONDO:0100017, OMIM 173200, MONDO:0008251.
Psoriasis 2. Identifiers: MedGen C1864497, MONDO:0011269, OMIM 602723.

gnomAD v4.1: 3 of 1,500,326 alleles (0.0002%); highest among the groups gnomAD compares: Non-Finnish European, 0.00027%; no homozygotes.

Submission:

Labcorp Genetics (formerly Invitae), Labcorp
Classification: Uncertain significance for Pityriasis rubra pilaris; Psoriasis 2. Last evaluated: 2018-01-01. Review status: criteria provided, single submitter. Criteria: Invitae Variant Classification Sherloc (09022015). Collection method: clinical testing. Allele origin: germline.
Comment: In summary, the available evidence is currently insufficient to determine the role of this variant in disease. Therefore, it has been classified as a Variant of Uncertain Significance. The current clinical and genetic evidence is not sufficient to establish whether loss-of-function variants in CARD14 cause disease. This variant has not been reported in the literature in individuals with CARD14-related disease. This variant is not present in population databases (ExAC no frequency). This sequence change affects a donor splice site in intron 5 of the CARD14 gene. It is expected to disrupt RNA splicing and likely results in an absent or disrupted protein product.